The following is an entry in ClinVar:

NM_001605.3(AARS1):c.480-3C>G

Gene: AARS1 (alanyl-tRNA synthetase 1; minus strand). Cytogenetic location: 16q22.1.
Variant type: single nucleotide variant.
Coding change: c.480-3C>G on transcript NM_001605.3 (MANE Select); 3 bases into the intron before coding-DNA position 480, C replaced by G.
Molecular consequence: intron variant.
Genome position (GRCh38, 1-based): chr16:70,271,975, G>C on the plus strand (C>G on the coding strand, the complement: AARS1 is on the minus strand). VCF-style: chr16-70271975-G-C. GRCh37 (hg19) VCF-style: chr16-70305878-G-C.
Identifiers: ClinVar variation 4736602 (VCV004736602.1).

ClinVar aggregate classification (germline): Uncertain significance (1 of 4 stars; one submission).

Conditions:
Charcot-Marie-Tooth disease type 2. Also called: Charcot-Marie-Tooth type 2. Identifiers: Orphanet 64746, MedGen C0270914, MONDO:0018993.

Submission:

Labcorp Genetics (formerly Invitae), Labcorp
Classification: Uncertain significance for Charcot-Marie-Tooth disease type 2. Last evaluated: 2026-02-03. Review status: criteria provided, single submitter. Criteria: Invitae Variant Classification Sherloc (09022015). Collection method: clinical testing. Allele origin: germline.
Comment: This sequence change falls in intron 4 of the AARS gene. It does not directly change the encoded amino acid sequence of the AARS protein. It affects a nucleotide within the consensus splice site. This variant is not present in population databases (gnomAD no frequency). This variant has not been reported in the literature in individuals affected with AARS-related conditions. Variants that disrupt the consensus splice site are a relatively common cause of aberrant splicing (PMID: 17576681, 9536098). Algorithms developed to predict the effect of sequence changes on RNA splicing suggest that this variant may disrupt the consensus splice site. In summary, the available evidence is currently insufficient to determine the role of this variant in disease. Therefore, it has been classified as a Variant of Uncertain Significance.

Literature cited by the submitters: PubMed 17576681; PubMed 9536098.